The following is an entry in ClinVar:

NM_000388.4(CASR):c.3002A>G (p.Gln1001Arg)

Gene: CASR (calcium sensing receptor; plus strand). Cytogenetic location: 3q21.1.
Variant type: single nucleotide variant.
Coding change: c.3002A>G on transcript NM_000388.4 (MANE Select); coding-DNA position 3002, A replaced by G.
Protein change: p.Gln1001Arg; replaces glutamine 1001 with arginine.
Molecular consequence: missense variant.
Genome position (GRCh38, 1-based): chr3:122,284,956, A>G. VCF-style: chr3-122284956-A-G. GRCh37 (hg19) VCF-style: chr3-122003803-A-G.
Other names: c.3032A>G, p.Gln1011Arg (NM_001178065.2); short protein forms Q1001R, Q1011R.
Identifiers: ClinVar variation 4787682 (VCV004787682.1).

ClinVar aggregate classification (germline): Uncertain significance (1 of 4 stars; one submission).

Conditions:
Familial hypocalciuric hypercalcemia (FHH). Also called: Familial benign hypercalcemia. Identifiers: Orphanet 405, MedGen C1809471, MONDO:0018458.
Autosomal dominant hypocalcemia 1 (HYPOC1). Also called: HYPOCALCEMIA, FAMILIAL. Identifiers: MedGen C3715128, MONDO:0011013, OMIM 601198.

gnomAD v4.1: 1 of 1,614,238 alleles (0.000062%); highest among the groups gnomAD compares: Non-Finnish European, 0.000085%; no homozygotes.

Submission:

Labcorp Genetics (formerly Invitae), Labcorp
Classification: Uncertain significance for Familial hypocalciuric hypercalcemia; Autosomal dominant hypocalcemia 1. Last evaluated: 2025-09-13. Review status: criteria provided, single submitter. Criteria: Invitae Variant Classification Sherloc (09022015). Collection method: clinical testing. Allele origin: germline.
Comment: This sequence change replaces glutamine, which is neutral and polar, with arginine, which is basic and polar, at codon 1001 of the CASR protein (p.Gln1001Arg). This variant is not present in population databases (gnomAD no frequency). This variant has not been reported in the literature in individuals affected with CASR-related conditions. An algorithm developed to predict the effect of missense changes on protein structure and function (PolyPhen-2) suggests that this variant is likely to be tolerated. In summary, the available evidence is currently insufficient to determine the role of this variant in disease. Therefore, it has been classified as a Variant of Uncertain Significance.